The following is an entry in ClinVar:

NM_144997.7(FLCN):c.1715_1722dup (p.Ser575fs)

Gene: FLCN (folliculin; minus strand). Cytogenetic location: 17p11.2.
Variant type: Duplication.
Coding change: c.1715_1722dup on transcript NM_144997.7 (MANE Select); coding-DNA positions 1715 to 1722, 8 bases duplicated (CCACAGCC; older notation c.1715_1722dupCCACAGCC).
Protein change: p.Ser575fs; shifts the reading frame from serine 575.
Molecular consequence: frameshift variant.
Genome position (GRCh38, 1-based): chr17:17,213,673-17,213,680, GGCTGTGG duplicated on the plus strand (CCACAGCC on the coding strand, the reverse complement: FLCN is on the minus strand); duplicating any 8 consecutive bases within chr17:17,213,673-17,213,685 gives the same sequence; the c. name uses the placement nearest the transcript's 3' end. VCF-style (leftmost placement, unchanged base first): chr17-17213672-A-AGGCTGTGG. GRCh37 (hg19) VCF-style: chr17-17116986-A-AGGCTGTGG.
Other names: c.1715_1722dupCCACAGCC (NM_144997.5); c.1715_1722dup (NM_144997.6); c.1769_1776dup, p.Ser593fs (NM_001353229.2); c.1715_1722dup, p.Ser575fs (NM_001353230.2, NM_001353231.2); short protein forms S575fs, S593fs.
Identifiers: ClinVar variation 3850557 (VCV003850557.2).

ClinVar aggregate classification (germline): Uncertain significance. Review status: criteria provided, multiple submitters, no conflicts (2 of 4 stars). 2 submissions from 2 submitters: Uncertain significance (2). Last evaluated 2025-04-24.

Conditions:
Hereditary cancer-predisposing syndrome. Also called: Hereditary neoplastic syndrome; Neoplastic Syndromes, Hereditary; Tumor predisposition; Hereditary Cancer Syndrome. Identifiers: Orphanet 140162, MedGen C0027672, MeSH D009386, MONDO:0015356.

Submissions (2):

Quest Diagnostics Nichols Institute San Juan Capistrano
Classification: Uncertain significance. Last evaluated: 2025-04-24. Review status: criteria provided, single submitter. Criteria: Quest Diagnostics criteria. Collection method: clinical testing. Allele origin: unknown.
Comment: The FLCN c.1715_1722dup (p.Ser575Profs*16) variant alters the translational reading frame of the FLCN mRNA and is expected to extend the open reading frame. It is therefore not expected to cause loss of protein expression through nonsense mediated decay. However, it is unclear if protein function will be affected. This variant has not been reported in individuals with FLCN-related conditions in the published literature. This variant has not been reported in large, multi-ethnic general populations (Genome Aggregation Database). Based on the available information, we are unable to determine the clinical significance of this variant.

Ambry Genetics
Classification: Uncertain significance for Hereditary cancer-predisposing syndrome. Last evaluated: 2024-12-14. Review status: criteria provided, single submitter. Criteria: Ambry Variant Classification Scheme 2023. Collection method: clinical testing. Allele origin: germline.
Comment: The c.1715_1722dupCCACAGCC variant, located in coding exon 11 of the FLCN gene, results from a duplication of CCACAGCC at nucleotide position 1715, causing a translational frameshift with a predicted alternate stop codon (p.S575Pfs*16). This alteration occurs at the 3' terminus of the FLCN gene, is not expected to trigger nonsense-mediated mRNA decay and results in the elongation of the protein by 16 amino acids. This frameshift impacts the last 6 amino acids of the native protein. The exact functional effect of the altered amino acids is unknown. Based on the available evidence, the clinical significance of this variant remains unclear.